The following is an entry in ClinVar:

NM_015021.3(ZNF292):c.7283A>G (p.Lys2428Arg)

Gene: ZNF292 (zinc finger protein 292; plus strand). Cytogenetic location: 6q14.3.
Variant type: single nucleotide variant.
Coding change: c.7283A>G on transcript NM_015021.3 (MANE Select); coding-DNA position 7283, A replaced by G.
Protein change: p.Lys2428Arg; replaces lysine 2428 with arginine.
Molecular consequence: missense variant.
Genome position (GRCh38, 1-based): chr6:87,260,912, A>G. VCF-style: chr6-87260912-A-G. GRCh37 (hg19) VCF-style: chr6-87970630-A-G.
Other names: c.6863A>G, p.Lys2288Arg (NM_001351444.2); short protein forms K2288R, K2428R.
Identifiers: ClinVar variation 2607199 (VCV002607199.2), dbSNP rs746021538, ClinGen allele CA3914763.

ClinVar aggregate classification (germline): Uncertain significance (1 of 4 stars; one submission).

Conditions:
Inborn genetic diseases. Identifiers: MedGen C0950123, MeSH D030342.

Allele frequency attached by ClinVar (database versions not stated): ExAC 0.00001; gnomAD exomes 0.00001.
gnomAD v4.1: 3 of 1,611,010 alleles (0.00019%); highest among the groups gnomAD compares: South Asian, 0.0011%; no homozygotes.

Submission:

Ambry Genetics
Classification: Uncertain significance for Inborn genetic diseases. Last evaluated: 2023-08-02. Review status: criteria provided, single submitter. Criteria: Ambry Variant Classification Scheme 2023. Collection method: clinical testing. Allele origin: germline.
Comment: The c.7283A>G (p.K2428R) alteration is located in exon 8 (coding exon 8) of the ZNF292 gene. This alteration results from an A to G substitution at nucleotide position 7283, causing the lysine (K) at amino acid position 2428 to be replaced by an arginine (R). Based on data from gnomAD, the G allele has an overall frequency of 0.001% (2/243258) total alleles studied. The highest observed frequency was 0.003% (1/29952) of South Asian alleles. This amino acid position is highly conserved in available vertebrate species. This alteration is predicted to be tolerated by in silico analysis. Based on insufficient or conflicting evidence, the clinical significance of this alteration remains unclear.